The following is an entry in ClinVar:

NM_004999.4(MYO6):c.1079-5A>G

Gene: MYO6 (myosin VI; plus strand). Cytogenetic location: 6q14.1.
Variant type: single nucleotide variant.
Coding change: c.1079-5A>G on transcript NM_004999.4 (MANE Select); 5 bases into the intron before coding-DNA position 1079, A replaced by G.
Molecular consequence: intron variant.
Genome position (GRCh38, 1-based): chr6:75,855,134, A>G. VCF-style: chr6-75855134-A-G. GRCh37 (hg19) VCF-style: chr6-76564851-A-G.
Other names: c.1079-5A>G (NM_001368865.1, NM_001368866.1, NM_001368137.1 and 2 more transcripts); c.1064-5A>G (NM_001368138.1).
Identifiers: ClinVar variation 228989 (VCV000228989.4), dbSNP rs774020683, ClinGen allele CA3897045.

ClinVar aggregate classification (germline): Uncertain significance (1 of 4 stars; one submission).

Allele frequency attached by ClinVar (database versions not stated): TOPMed below 0.00001; ExAC 0.00001; gnomAD 0.00001; gnomAD exomes 0.00001.
gnomAD v4.1: 4 of 1,596,088 alleles (0.00025%); highest among the groups gnomAD compares: East Asian, 0.0022%; no homozygotes.

Submission:

Laboratory for Molecular Medicine, Mass General Brigham Personalized Medicine
Classification: Uncertain significance. Last evaluated: 2015-01-21. Review status: criteria provided, single submitter. Criteria: LMM Criteria. Collection method: clinical testing. Allele origin: germline. Observed: 1 variant allele.
Comment: Variant classified as Uncertain Significance - Favor Benign. The c.1079-5A>G var iant in MYO6 has not been previously reported in individuals with hearing loss b ut has been identified in 1/7180 African chromosomes by the Exome Aggregation Co nsortium (ExAC). While this variant is located i n the 3' splice region, computational tools do not suggest an impact to splicing . The nucleotide position affected by the variant is not highly conserved across species and 5 mammals carry a guanine (G) at this position, supporting that the change may be tolerated. However, this information is not predictive enough to rule out pathogenicity. In summary, while the clinical significance of the c.107 9-5A>G variant is uncertain, these data suggest that it is more likely to be ben ign.